The following is an entry in ClinVar:

ClinVar aggregate classification (germline): Pathogenic (1 of 4 stars; one submission).

Submission:

GeneDx
Classification: Pathogenic. Last evaluated: 2026-01-21. Review status: criteria provided, single submitter. Criteria: GeneDx Variant Classification Process June 2021. Collection method: clinical testing. Allele origin: germline.
Comment: Has been reported in published literature in a proband with congenital diaphragmatic hernia and was inherited from an unaffected mother (PMID: 34547244); Frameshift variant predicted to result in protein truncation or nonsense mediated decay in a gene for which loss of function is a known mechanism of disease; Not observed at significant frequency in large population cohorts (gnomAD); This variant is associated with the following publications: (PMID: 34547244)

NM_004793.4(LONP1):c.1628_1629del (p.Glu543fs)

Gene: LONP1 (lon peptidase 1, mitochondrial; minus strand). Cytogenetic location: 19p13.3.
Variant type: Microsatellite.
Coding change: c.1628_1629del on transcript NM_004793.4 (MANE Select); coding-DNA positions 1628 to 1629, 2 bases deleted (AG; older notation c.1628_1629delAG).
Protein change: p.Glu543fs; shifts the reading frame from glutamic acid 543.
Molecular consequence: frameshift variant. On other transcripts: non-coding transcript variant (1).
Genome position (GRCh38, 1-based): chr19:5,699,083-5,699,084, CT deleted on the plus strand (AG on the coding strand, the reverse complement: LONP1 is on the minus strand); deleting any 2 consecutive bases within chr19:5,699,083-5,699,087 gives the same sequence; the c. name uses the placement nearest the transcript's 3' end. VCF-style (leftmost placement, unchanged base first): chr19-5699082-ACT-A. GRCh37 (hg19) VCF-style: chr19-5699093-ACT-A.
Other names: c.1436_1437del, p.Glu479fs (NM_001276479.2); c.1040_1041del, p.Glu347fs (NM_001276480.1); short protein forms E347fs, E479fs, E543fs.
Identifiers: ClinVar variation 4891503 (VCV004891503.1).